The following is an entry in ClinVar:

ClinVar aggregate classification (germline): Uncertain significance (1 of 4 stars; one submission).

Submission:

Labcorp Genetics (formerly Invitae), Labcorp
Classification: Uncertain significance. Last evaluated: 2023-10-25. Review status: criteria provided, single submitter. Criteria: Invitae Variant Classification Sherloc (09022015). Collection method: clinical testing. Allele origin: germline.
Comment: This sequence change replaces phenylalanine, which is neutral and non-polar, with serine, which is neutral and polar, at codon 2334 of the KMT2C protein (p.Phe2334Ser). This variant is not present in population databases (gnomAD no frequency). This variant has not been reported in the literature in individuals affected with KMT2C-related conditions. Advanced modeling of protein sequence and biophysical properties (such as structural, functional, and spatial information, amino acid conservation, physicochemical variation, residue mobility, and thermodynamic stability) performed at Invitae indicates that this missense variant is not expected to disrupt KMT2C protein function with a negative predictive value of 80%. In summary, the available evidence is currently insufficient to determine the role of this variant in disease. Therefore, it has been classified as a Variant of Uncertain Significance.

NM_170606.3(KMT2C):c.7001T>C (p.Phe2334Ser)

Gene: KMT2C (lysine methyltransferase 2C; minus strand). Cytogenetic location: 7q36.1.
Variant type: single nucleotide variant.
Coding change: c.7001T>C on transcript NM_170606.3 (MANE Select); coding-DNA position 7001, T replaced by C.
Protein change: p.Phe2334Ser; replaces phenylalanine 2334 with serine.
Molecular consequence: missense variant.
Genome position (GRCh38, 1-based): chr7:152,180,859, A>G on the plus strand (T>C on the coding strand, the complement: KMT2C is on the minus strand). VCF-style: chr7-152180859-A-G. GRCh37 (hg19) VCF-style: chr7-151877944-A-G.
Other names: short protein forms F2334S.
Identifiers: ClinVar variation 2771691 (VCV002771691.3), dbSNP rs2129119251, ClinGen allele CA370090711.